The following is an entry in ClinVar:

ClinVar aggregate classification (germline): Pathogenic (1 of 4 stars; one submission).

Conditions:
Hereditary cancer-predisposing syndrome. Also called: Neoplastic Syndromes, Hereditary; Tumor predisposition; Hereditary neoplastic syndrome; Hereditary Cancer Syndrome. Identifiers: Orphanet 140162, MedGen C0027672, MeSH D009386, MONDO:0015356.

Submission:

Ambry Genetics
Classification: Pathogenic for Hereditary cancer-predisposing syndrome. Last evaluated: 2023-11-13. Review status: criteria provided, single submitter. Criteria: Ambry Variant Classification Scheme 2023. Collection method: clinical testing. Allele origin: germline.
Comment: The c.1483dupG pathogenic mutation, located in coding exon 9 of the BRCA2 gene, results from a duplication of G at nucleotide position 1483, causing a translational frameshift with a predicted alternate stop codon (p.A495Gfs*19). This alteration is expected to result in loss of function by premature protein truncation or nonsense-mediated mRNA decay. As such, this alteration is interpreted as a disease-causing mutation.

NM_000059.4(BRCA2):c.1483dup (p.Ala495fs)

Gene: BRCA2 (BRCA2 DNA repair associated; plus strand). Cytogenetic location: 13q13.1.
Variant type: Duplication.
Coding change: c.1483dup on transcript NM_000059.4 (MANE Select); coding-DNA position 1483, one base duplicated (G; older notation c.1483dupG).
Protein change: p.Ala495fs; shifts the reading frame from alanine 495.
Molecular consequence: frameshift variant. On other transcripts: non-coding transcript variant (1), intron variant (1).
Genome position (GRCh38, 1-based): chr13:32,332,961, G duplicated; the last of 2 consecutive G bases (chr13:32,332,960-32,332,961); duplicating either gives the same sequence. VCF-style (leftmost placement, unchanged base first): chr13-32332959-T-TG. GRCh37 (hg19) VCF-style: chr13-32907096-T-TG.
Other names: c.1483dup, p.Ala495fs (NM_001406719.1, NM_001406720.1, NM_001406721.1); c.424+1931dup (NM_001406722.1); c.1483dupG (NM_000059.3); short protein forms A495fs.
Identifiers: ClinVar variation 3225398 (VCV003225398.1), dbSNP rs2548520361, ClinGen allele CA1139771104.